The following is an entry in ClinVar:

ClinVar aggregate classification (germline): Uncertain significance (1 of 4 stars; one submission).

Allele frequency attached by ClinVar (database versions not stated): TOPMed below 0.00001.

Submission:

Labcorp Genetics (formerly Invitae), Labcorp
Classification: Uncertain significance. Last evaluated: 2021-08-27. Review status: criteria provided, single submitter. Criteria: Invitae Variant Classification Sherloc (09022015). Collection method: clinical testing. Allele origin: germline.
Comment: This sequence change replaces histidine with proline at codon 4744 of the USH2A protein (p.His4744Pro). The histidine residue is highly conserved and there is a moderate physicochemical difference between histidine and proline. This variant is not present in population databases (ExAC no frequency). This variant has not been reported in the literature in individuals affected with USH2A-related conditions. Algorithms developed to predict the effect of missense changes on protein structure and function are either unavailable or do not agree on the potential impact of this missense change (SIFT: "Deleterious"; PolyPhen-2: "Benign"; Align-GVGD: "Class C0"). In summary, the available evidence is currently insufficient to determine the role of this variant in disease. Therefore, it has been classified as a Variant of Uncertain Significance.

NM_206933.4(USH2A):c.14231A>C (p.His4744Pro)

Gene: USH2A (usherin; minus strand). Cytogenetic location: 1q41.
Variant type: single nucleotide variant.
Coding change: c.14231A>C on transcript NM_206933.4 (MANE Select); coding-DNA position 14231, A replaced by C.
Protein change: p.His4744Pro; replaces histidine 4744 with proline.
Molecular consequence: missense variant.
Genome position (GRCh38, 1-based): chr1:215,650,704, T>G on the plus strand (A>C on the coding strand, the complement: USH2A is on the minus strand). VCF-style: chr1-215650704-T-G. GRCh37 (hg19) VCF-style: chr1-215824046-T-G.
Other names: short protein forms H4744P.
Identifiers: ClinVar variation 1361862 (VCV001361862.5), dbSNP rs1020335802, ClinGen allele CA344835565.
Genomic context (GRCh38, chr1:215,650,704, plus strand): 5'-ATCCCGTTGGGCTTCCCAGGGGCACTGATGTTGACCACTGCTTGGGTAGAAGAGATCACA[T>G]GGAACGTGGGGGCTCTGAGACCTTCTGGTGGGGCTGGCCCGGTTCTGCACCATGTCCAGC-3'
Protein context (NP_996816.3, residues 4734-4754): PPEGLRAPTF[His4744Pro]VISSTQAVVN